The following is an entry in ClinVar:

ClinVar aggregate classification (germline): Uncertain significance (1 of 4 stars; one submission).

Conditions:
Bethlem myopathy 1A. Also called: Bethlem Muscular Dystrophy; Bethlem myopathy 1; MYOPATHY, BENIGN CONGENITAL, WITH CONTRACTURES. Identifiers: Orphanet 610, MedGen CN029274, MONDO:0024530, OMIM 158810.

gnomAD v4.1: 4 of 1,606,210 alleles (0.00025%); highest among the groups gnomAD compares: Admixed American, 0.0067%; no homozygotes.

Submission:

Labcorp Genetics (formerly Invitae), Labcorp
Classification: Uncertain significance for Bethlem myopathy 1A. Last evaluated: 2018-09-03. Review status: criteria provided, single submitter. Criteria: Invitae Variant Classification Sherloc (09022015). Collection method: clinical testing. Allele origin: germline.
Comment: This sequence change replaces histidine with glutamine at codon 923 of the COL6A2 protein (p.His923Gln). The histidine residue is moderately conserved and there is a small physicochemical difference between histidine and glutamine. This variant is present in population databases (rs140419176, ExAC 0.03%). This variant has not been reported in the literature in individuals with COL6A2-related disease. Algorithms developed to predict the effect of missense changes on protein structure and function output the following: SIFT: "Deleterious"; PolyPhen-2: "Benign"; Align-GVGD: "Class C0". The glutamine amino acid residue is found in multiple mammalian species, suggesting that this missense change does not adversely affect protein function. These predictions have not been confirmed by published functional studies and their clinical significance is uncertain. In summary, the available evidence is currently insufficient to determine the role of this variant in disease. Therefore, it has been classified as a Variant of Uncertain Significance.

NM_001849.4(COL6A2):c.2769C>A (p.His923Gln)

Gene: COL6A2 (collagen type VI alpha 2 chain; plus strand). Cytogenetic location: 21q22.3.
Variant type: single nucleotide variant.
Coding change: c.2769C>A on transcript NM_001849.4 (MANE Select); coding-DNA position 2769, C replaced by A.
Protein change: p.His923Gln; replaces histidine 923 with glutamine.
Molecular consequence: missense variant.
Genome position (GRCh38, 1-based): chr21:46,132,261, C>A. VCF-style: chr21-46132261-C-A. GRCh37 (hg19) VCF-style: chr21-47552175-C-A.
Other names: short protein forms H923Q.
Identifiers: ClinVar variation 650312 (VCV000650312.9), dbSNP rs140419176, ClinGen allele CA10073013.